The following is an entry in ClinVar:

NM_001065.4(TNFRSF1A):c.349T>G (p.Cys117Gly)

Gene: TNFRSF1A (TNF receptor superfamily member 1A; minus strand). Cytogenetic location: 12p13.31.
Variant type: single nucleotide variant.
Coding change: c.349T>G on transcript NM_001065.4 (MANE Select); coding-DNA position 349, T replaced by G.
Protein change: p.Cys117Gly; replaces cysteine 117 with glycine.
Molecular consequence: missense variant. On other transcripts: 5 prime UTR variant (1), non-coding transcript variant (1).
Genome position (GRCh38, 1-based): chr12:6,333,490, A>C on the plus strand (T>G on the coding strand, the complement: TNFRSF1A is on the minus strand). VCF-style: chr12-6333490-A-C. GRCh37 (hg19) VCF-style: chr12-6442656-A-C.
Other names: c.25T>G, p.Cys9Gly (NM_001346091.2); c.-229T>G (NM_001346092.2); short protein forms C117G, C9G.
Identifiers: ClinVar variation 1917928 (VCV001917928.5), dbSNP rs104895221, ClinGen allele CA383550258.
Genomic context (GRCh38, chr12:6,333,490, plus strand): 5'-TCCAATAATGCCGGTACTGGTTCTTCCTGCAGCCACACACGGTGTCCCGGTCCACTGTGC[A>C]AGAAGAGATCTCCACCTGACCCATTTCTGGTGAGGGGAGAAGATGGGGTATGAGTCCTGC-3'
Protein context (NP_001056.1, residues 107-127): KEMGQVEISS[Cys117Gly]TVDRDTVCGC

ClinVar aggregate classification (germline): Likely pathogenic (1 of 4 stars; one submission).

Conditions:
TNF receptor-associated periodic fever syndrome (TRAPS) (FPF). Also called: Autosomal Dominant Familial Periodic Fever; TNF Receptor-Associated Periodic Fever Syndrome; TNF receptor 1-associated periodic fever syndrome; FAMILIAL HIBERNIAN FEVER; TNF RECEPTOR-ASSOCIATED PERIODIC SYNDROME; TUMOR NECROSIS FACTOR RECEPTOR-ASSOCIATED PERIODIC SYNDROME. Identifiers: Orphanet 32960, MedGen C1275126, MONDO:0007727, OMIM 142680.

Submission:

Labcorp Genetics (formerly Invitae), Labcorp
Classification: Likely pathogenic for TNF receptor-associated periodic fever syndrome (TRAPS). Last evaluated: 2022-04-08. Review status: criteria provided, single submitter. Criteria: Invitae Variant Classification Sherloc (09022015). Collection method: clinical testing. Allele origin: germline.
Comment: In summary, the currently available evidence indicates that the variant is pathogenic, but additional data are needed to prove that conclusively. Therefore, this variant has been classified as Likely Pathogenic. This variant disrupts the p.Cys117 amino acid residue in TNFRSF1A. Other variant(s) that disrupt this residue have been determined to be pathogenic (PMID: 9529351, 10199409). This suggests that this residue is clinically significant, and that variants that disrupt this residue are likely to be disease-causing. Advanced modeling of protein sequence and biophysical properties (such as structural, functional, and spatial information, amino acid conservation, physicochemical variation, residue mobility, and thermodynamic stability) performed at Invitae indicates that this missense variant is expected to disrupt TNFRSF1A protein function. This missense change has been observed in individual(s) with clinical features of TNF receptor-associated periodic fever syndrome (PMID: 32248184). This variant is not present in population databases (gnomAD no frequency). This sequence change replaces cysteine, which is neutral and slightly polar, with glycine, which is neutral and non-polar, at codon 117 of the TNFRSF1A protein (p.Cys117Gly).

Literature cited by the submitters: PubMed 9529351; PubMed 10199409; PubMed 32248184.